The following is an entry in ClinVar:

NM_144997.7(FLCN):c.1189G>C (p.Val397Leu)

Gene: FLCN (folliculin; minus strand). Cytogenetic location: 17p11.2.
Variant type: single nucleotide variant.
Coding change: c.1189G>C on transcript NM_144997.7 (MANE Select); coding-DNA position 1189, G replaced by C.
Protein change: p.Val397Leu; replaces valine 397 with leucine.
Molecular consequence: missense variant.
Genome position (GRCh38, 1-based): chr17:17,216,491, C>G on the plus strand (G>C on the coding strand, the complement: FLCN is on the minus strand). VCF-style: chr17-17216491-C-G. GRCh37 (hg19) VCF-style: chr17-17119805-C-G.
Other names: c.1243G>C, p.Val415Leu (NM_001353229.2); c.1189G>C, p.Val397Leu (NM_001353230.2, NM_001353231.2); short protein forms V415L, V397L.
Identifiers: ClinVar variation 3850584 (VCV003850584.1).

ClinVar aggregate classification (germline): Uncertain significance (1 of 4 stars; one submission).

Conditions:
Hereditary cancer-predisposing syndrome. Also called: Hereditary neoplastic syndrome; Neoplastic Syndromes, Hereditary; Tumor predisposition; Hereditary Cancer Syndrome. Identifiers: Orphanet 140162, MedGen C0027672, MeSH D009386, MONDO:0015356.

Submission:

Ambry Genetics
Classification: Uncertain significance for Hereditary cancer-predisposing syndrome. Last evaluated: 2025-02-15. Review status: criteria provided, single submitter. Criteria: Ambry Variant Classification Scheme 2023. Collection method: clinical testing. Allele origin: germline.
Comment: The p.V397L variant (also known as c.1189G>C), located in coding exon 8 of the FLCN gene, results from a G to C substitution at nucleotide position 1189. The valine at codon 397 is replaced by leucine, an amino acid with highly similar properties. This amino acid position is conserved. In addition, the in silico prediction for this alteration is inconclusive. Based on the available evidence, the clinical significance of this variant remains unclear.